The following is an entry in ClinVar:

NM_001145805.2(IRGM):c.397A>G (p.Thr133Ala)

Gene: IRGM (immunity related GTPase M; plus strand). Cytogenetic location: 5q33.1.
Variant type: single nucleotide variant.
Coding change: c.397A>G on transcript NM_001145805.2 (MANE Select); coding-DNA position 397, A replaced by G.
Protein change: p.Thr133Ala; replaces threonine 133 with alanine.
Molecular consequence: missense variant. On other transcripts: non-coding transcript variant (1).
Genome position (GRCh38, 1-based): chr5:150,848,520, A>G. VCF-style: chr5-150848520-A-G. GRCh37 (hg19) VCF-style: chr5-150228082-A-G.
Other names: c.397A>G, p.Thr133Ala (NM_001346557.2); short protein forms T133A.
Identifiers: ClinVar variation 1050738 (VCV001050738.1), dbSNP rs1020311575, ClinGen allele CA129177015.

ClinVar aggregate classification (germline): Uncertain significance (0 of 4 stars; one submission).

Allele frequency attached by ClinVar (database versions not stated): gnomAD exomes below 0.00001 and 0.00001; gnomAD 0.00001; TOPMed 0.00002.

Submission:

Department of Pathology and Laboratory Medicine, Sinai Health System
Classification: Uncertain significance. Review status: no assertion criteria provided. Collection method: clinical testing. Allele origin: unknown. Affected: yes. Study: The Canadian Open Genetics Repository (COGR).
Comment: The IRGM p.Thr133Ala variant was not identified in the literature nor was it identified in ClinVar, Cosmic or LOVD 3.0. The variant was identified in dbSNP (ID: rs1020311575) and was also identified in control databases in 1 of 154250 chromosomes at a frequency of 0.000006 (Genome Aggregation Database Feb 27, 2017). The variant was observed in the following population: European (non-Finnish) in 1 of 59698 chromosomes (freq: 0.000017), but not in the African, Latino, Ashkenazi Jewish, East Asian, European (Finnish), Other, and South Asian populations. The variant occurs outside of the splicing consensus sequence and in silico or computational prediction software programs (SpliceSiteFinder, MaxEntScan, NNSPLICE, GeneSplicer) do not predict a difference in splicing. The p.Thr133 residue is not conserved in mammals and computational analyses (PolyPhen-2, SIFT, AlignGVGD, BLOSUM, MutationTaster) do not suggest a high likelihood of impact to the protein; however, this information is not predictive enough to rule out pathogenicity. In summary, based on the above information the clinical significance of this variant cannot be determined with certainty at this time. This variant is classified as a variant of uncertain significance.